The following is an entry in ClinVar:

NM_017654.4(SAMD9):c.4541G>A (p.Ser1514Asn)

Gene: SAMD9 (sterile alpha motif domain containing 9; minus strand). Cytogenetic location: 7q21.2.
Variant type: single nucleotide variant.
Coding change: c.4541G>A on transcript NM_017654.4 (MANE Select); coding-DNA position 4541, G replaced by A.
Protein change: p.Ser1514Asn; replaces serine 1514 with asparagine.
Molecular consequence: missense variant.
Genome position (GRCh38, 1-based): chr7:93,101,557, C>T on the plus strand (G>A on the coding strand, the complement: SAMD9 is on the minus strand). VCF-style: chr7-93101557-C-T. GRCh37 (hg19) VCF-style: chr7-92730870-C-T.
Other names: c.4541G>A, p.Ser1514Asn (NM_001193307.2); short protein forms S1514N.
Identifiers: ClinVar variation 5003844 (VCV005003844.1).

ClinVar aggregate classification (germline): Uncertain significance (1 of 4 stars; one submission).

Conditions:
Normophosphatemic familial tumoral calcinosis. Also called: CALCINOSIS, TUMORAL, WITH NORMOPHOSPHATEMIA. Identifiers: Orphanet 306658, Orphanet 53715, MedGen C1864861, MONDO:0012502, OMIM 610455.

Submission:

Myriad Genetics, Inc.
Classification: Uncertain significance for Normophosphatemic familial tumoral calcinosis. Last evaluated: 2026-05-27. Review status: criteria provided, single submitter. Criteria: Myriad Autosomal Dominant, Autosomal Recessive and X-Linked Classification Criteria (2023). Collection method: clinical testing. Allele origin: unknown.
Comment: NM_017654.3(SAMD9):c.4541G>A(S1514N) is a missense variant classified as a variant of uncertain significance in the context of normophosphatemic familial tumoral calcinosis. S1514N has not been observed in cases with relevant disease. Relevant functional assessments of this variant are not available in the literature. S1514N has not been observed in referenced population frequency databases. In summary, there is insufficient evidence to classify NM_017654.3(SAMD9):c.4541G>A(S1514N) as pathogenic or benign. Please note: this variant was assessed in the context of healthy population screening.